The following is an entry in ClinVar:

NM_001142864.4(PIEZO1):c.7092C>G (p.Asn2364Lys)

Gene: PIEZO1 (piezo type mechanosensitive ion channel component 1 (Er blood group); minus strand). Cytogenetic location: 16q24.3.
Variant type: single nucleotide variant.
Coding change: c.7092C>G on transcript NM_001142864.4 (MANE Select); coding-DNA position 7092, C replaced by G.
Protein change: p.Asn2364Lys; replaces asparagine 2364 with lysine.
Molecular consequence: missense variant.
Genome position (GRCh38, 1-based): chr16:88,716,235, G>C on the plus strand (C>G on the coding strand, the complement: PIEZO1 is on the minus strand). VCF-style: chr16-88716235-G-C. GRCh37 (hg19) VCF-style: chr16-88782643-G-C.
Other names: short protein forms N2364K.
Identifiers: ClinVar variation 4744254 (VCV004744254.1).
Genomic context (GRCh38, chr16:88,716,235, plus strand): 5'-CCAACCCCCACGCCCATACTCACTGGGCTGCAGCTGCTTCACAGGGTTGGCTTCGGGCCC[G>C]TTGGGGGCACGGATGTACTTGGGGAAGAGATTAGGGATGACCCTGCAGGGAGGTGCTGGC-3'
Protein context (NP_001136336.2, residues 2354-2374): NLFPKYIRAP[Asn2364Lys]GPEANPVKQL

ClinVar aggregate classification (germline): Uncertain significance (1 of 4 stars; one submission).

Submission:

Labcorp Genetics (formerly Invitae), Labcorp
Classification: Uncertain significance. Last evaluated: 2025-12-10. Review status: criteria provided, single submitter. Criteria: Invitae Variant Classification Sherloc (09022015). Collection method: clinical testing. Allele origin: germline.
Comment: This sequence change replaces asparagine, which is neutral and polar, with lysine, which is basic and polar, at codon 2364 of the PIEZO1 protein (p.Asn2364Lys). This variant is not present in population databases (gnomAD no frequency). This variant has not been reported in the literature in individuals affected with PIEZO1-related conditions. Invitae Evidence Modeling of protein sequence and biophysical properties (such as structural, functional, and spatial information, amino acid conservation, physicochemical variation, residue mobility, and thermodynamic stability) indicates that this missense variant is not expected to disrupt PIEZO1 protein function with a negative predictive value of 80%. In summary, the available evidence is currently insufficient to determine the role of this variant in disease. Therefore, it has been classified as a Variant of Uncertain Significance.